The following is an entry in ClinVar:

ClinVar aggregate classification (germline): Uncertain significance (1 of 4 stars; one submission).

gnomAD v4.1: 2 of 1,597,598 alleles (0.00013%); highest among the groups gnomAD compares: East Asian, 0.0023%; no homozygotes.

Submission:

GeneDx
Classification: Uncertain significance. Last evaluated: 2025-06-20. Review status: criteria provided, single submitter. Criteria: GeneDx Variant Classification Process June 2021. Collection method: clinical testing. Allele origin: germline. Affected: yes.
Comment: Not observed at significant frequency in large population cohorts (gnomAD); In silico analysis suggests that this missense variant does not alter protein structure/function; Has not been previously published as pathogenic or benign to our knowledge

NM_001357.5(DHX9):c.1321G>A (p.Val441Ile)

Gene: DHX9 (DExH-box helicase 9; plus strand). Cytogenetic location: 1q25.3.
Variant type: single nucleotide variant.
Coding change: c.1321G>A on transcript NM_001357.5 (MANE Select); coding-DNA position 1321, G replaced by A.
Protein change: p.Val441Ile; replaces valine 441 with isoleucine.
Molecular consequence: missense variant. On other transcripts: non-coding transcript variant (1).
Genome position (GRCh38, 1-based): chr1:182,860,173, G>A. VCF-style: chr1-182860173-G-A. GRCh37 (hg19) VCF-style: chr1-182829308-G-A.
Other names: short protein forms V441I.
Identifiers: ClinVar variation 4538953 (VCV004538953.1).